The following is an entry in ClinVar:

NM_004341.5(CAD):c.2395G>A (p.Asp799Asn)

Genes: CAD (carbamoyl-phosphate synthetase 2, aspartate transcarbamylase, and dihydroorotase; plus strand), LOC126806171 (BRD4-independent group 4 enhancer GRCh37_chr2:27454350-27455549; plus strand). Cytogenetic location: 2p23.3.
Variant type: single nucleotide variant.
Coding change: c.2395G>A on transcript NM_004341.5 (MANE Select); coding-DNA position 2395, G replaced by A.
Protein change: p.Asp799Asn; replaces aspartic acid 799 with asparagine.
Molecular consequence: missense variant.
Genome position (GRCh38, 1-based): chr2:27,231,575, G>A. VCF-style: chr2-27231575-G-A. GRCh37 (hg19) VCF-style: chr2-27454443-G-A.
Other names: c.2206G>A, p.Asp736Asn (NM_001306079.2); short protein forms D799N, D736N.
Identifiers: ClinVar variation 2054768 (VCV002054768.1), dbSNP rs1442684373, ClinGen allele CA346210255.

ClinVar aggregate classification (germline): Uncertain significance (1 of 4 stars; one submission).

Allele frequency attached by ClinVar (database versions not stated): TOPMed below 0.00001; gnomAD 0.00001; gnomAD exomes 0.00001.
gnomAD v4.1: 9 of 1,599,798 alleles (0.00056%); highest among the groups gnomAD compares: Admixed American, 0.0033%; no homozygotes.

Submission:

Labcorp Genetics (formerly Invitae), Labcorp
Classification: Uncertain significance. Last evaluated: 2022-05-19. Review status: criteria provided, single submitter. Criteria: Invitae Variant Classification Sherloc (09022015). Collection method: clinical testing. Allele origin: germline.
Comment: This sequence change replaces aspartic acid, which is acidic and polar, with asparagine, which is neutral and polar, at codon 799 of the CAD protein (p.Asp799Asn). This variant is present in population databases (no rsID available, gnomAD 0.003%). This variant has not been reported in the literature in individuals affected with CAD-related conditions. Algorithms developed to predict the effect of missense changes on protein structure and function (SIFT, PolyPhen-2, Align-GVGD) all suggest that this variant is likely to be tolerated. In summary, the available evidence is currently insufficient to determine the role of this variant in disease. Therefore, it has been classified as a Variant of Uncertain Significance.